The following is an entry in ClinVar:

ClinVar aggregate classification (germline): Likely pathogenic. Review status: criteria provided, multiple submitters, no conflicts (2 of 4 stars). 2 submissions from 2 submitters: Likely pathogenic (2). Last evaluated 2023-03-12.

Conditions:
Osteogenesis imperfecta type I (OI1). Also called: OI, TYPE I; OSTEOGENESIS IMPERFECTA TARDA; OSTEOGENESIS IMPERFECTA WITH BLUE SCLERAE; Osteogenesis imperfecta type 1; Lobstein's Disease; Lobstein disease. Identifiers: Orphanet 216796, Orphanet 666, MedGen C0023931, MONDO:0008146, OMIM 166200. Disease mechanism: loss of function.
COL1A1-related disorder. Also called: COL1A1- related disease; COL1A1-related condition.

Submissions (2):

PreventionGenetics, part of Exact Sciences
Classification: Likely pathogenic for COL1A1-related condition. Last evaluated: 2023-03-12. Review status: criteria provided, single submitter. Criteria: ACMG Guidelines, 2015. Collection method: clinical testing. Allele origin: germline.
Comment: The COL1A1 c.851G>A variant is predicted to result in the amino acid substitution p.Gly284Asp. To our knowledge, this variant has not been reported in the literature or in a large population database, indicating this variant is rare. The p.Gly284 amino acid is located in the conserved Gly-Xaa-Yaa triple helical domain where substitutions of a glycine are usually pathogenic (Marini et al. 2007. PubMed ID: 17078022). Other amino acid substitutions at this position (p.Gly284Ser, p.Gly284Ala) have been reported in individuals with COL1A1-related disorders (Supp. Table 1 in Marini et al 2007. PubMed ID: 17078022). This variant is interpreted as likely pathogenic.

Labcorp Genetics (formerly Invitae), Labcorp
Classification: Likely pathogenic for Osteogenesis imperfecta type I. Last evaluated: 2022-07-18. Review status: criteria provided, single submitter. Criteria: Invitae Variant Classification Sherloc (09022015). Collection method: clinical testing. Allele origin: germline.
Comment: In summary, the currently available evidence indicates that the variant is pathogenic, but additional data are needed to prove that conclusively. Therefore, this variant has been classified as Likely Pathogenic. This variant disrupts the p.Gly284 amino acid residue in COL1A1. Other variant(s) that disrupt this residue have been observed in individuals with COL1A1-related conditions (PMID: 17078022), which suggests that this may be a clinically significant amino acid residue. This variant disrupts the triple helix domain of COL1A1. Glycine residues within the Gly-Xaa-Yaa repeats of the triple helix domain are required for the structure and stability of fibrillar collagens (PMID: 7695699, 8218237, 19344236). In COL1A1, variants affecting these glycine residues are significantly enriched in individuals with disease (PMID: 9016532, 17078022) compared to the general population (ExAC). This sequence change replaces glycine, which is neutral and non-polar, with aspartic acid, which is acidic and polar, at codon 284 of the COL1A1 protein (p.Gly284Asp). This variant is not present in population databases (gnomAD no frequency). This variant has not been reported in the literature in individuals affected with COL1A1-related conditions. Advanced modeling of protein sequence and biophysical properties (such as structural, functional, and spatial information, amino acid conservation, physicochemical variation, residue mobility, and thermodynamic stability) performed at Invitae indicates that this missense variant is expected to disrupt COL1A1 protein function.

Literature cited by the submitters: PubMed 17078022 (cited by Labcorp Genetics (formerly Invitae), Labcorp); PubMed 7695699 (cited by Labcorp Genetics (formerly Invitae), Labcorp); PubMed 8218237 (cited by Labcorp Genetics (formerly Invitae), Labcorp); PubMed 19344236 (cited by Labcorp Genetics (formerly Invitae), Labcorp); PubMed 9016532 (cited by Labcorp Genetics (formerly Invitae), Labcorp).

NM_000088.4(COL1A1):c.851G>A (p.Gly284Asp)

Genes: COL1A1 (collagen type I alpha 1 chain; minus strand), LOC126862586 (CDK7 strongly-dependent group 2 enhancer GRCh37_chr17:48273702-48274901; plus strand). Cytogenetic location: 17q21.33.
Variant type: single nucleotide variant.
Coding change: c.851G>A on transcript NM_000088.4 (MANE Select); coding-DNA position 851, G replaced by A.
Protein change: p.Gly284Asp; replaces glycine 284 with aspartic acid.
Molecular consequence: missense variant.
Genome position (GRCh38, 1-based): chr17:50,196,624, C>T on the plus strand (G>A on the coding strand, the complement: COL1A1 is on the minus strand). VCF-style: chr17-50196624-C-T. GRCh37 (hg19) VCF-style: chr17-48273985-C-T.
Other names: short protein forms G284D.
Identifiers: ClinVar variation 2079492 (VCV002079492.5), dbSNP rs72645337, ClinGen allele CA400222444.